The following is an entry in ClinVar:

ClinVar aggregate classification (germline): Uncertain significance (1 of 4 stars; one submission).

Submission:

Labcorp Genetics (formerly Invitae), Labcorp
Classification: Uncertain significance. Last evaluated: 2025-01-16. Review status: criteria provided, single submitter. Criteria: Invitae Variant Classification Sherloc (09022015). Collection method: clinical testing. Allele origin: germline.
Comment: This sequence change replaces glycine, which is neutral and non-polar, with arginine, which is basic and polar, at codon 245 of the PDX1 protein (p.Gly245Arg). This variant is present in population databases (no rsID available, gnomAD 0.005%). This variant has not been reported in the literature in individuals affected with PDX1-related conditions. Invitae Evidence Modeling of protein sequence and biophysical properties (such as structural, functional, and spatial information, amino acid conservation, physicochemical variation, residue mobility, and thermodynamic stability) indicates that this missense variant is not expected to disrupt PDX1 protein function with a negative predictive value of 95%. In summary, the available evidence is currently insufficient to determine the role of this variant in disease. Therefore, it has been classified as a Variant of Uncertain Significance.

NM_000209.4(PDX1):c.733G>A (p.Gly245Arg)

Gene: PDX1 (pancreatic and duodenal homeobox 1; plus strand). Cytogenetic location: 13q12.2.
Variant type: single nucleotide variant.
Coding change: c.733G>A on transcript NM_000209.4 (MANE Select); coding-DNA position 733, G replaced by A.
Protein change: p.Gly245Arg; replaces glycine 245 with arginine.
Molecular consequence: missense variant.
Genome position (GRCh38, 1-based): chr13:27,924,582, G>A. VCF-style: chr13-27924582-G-A. GRCh37 (hg19) VCF-style: chr13-28498719-G-A.
Other names: short protein forms G245R.
Identifiers: ClinVar variation 3617909 (VCV003617909.2).